The following is an entry in ClinVar:

NM_005733.3(KIF20A):c.652C>T (p.Arg218Ter)

Gene: KIF20A (kinesin family member 20A; plus strand). Cytogenetic location: 5q31.2.
Variant type: single nucleotide variant.
Coding change: c.652C>T on transcript NM_005733.3 (MANE Select); coding-DNA position 652, C replaced by T.
Protein change: p.Arg218Ter; replaces arginine 218 with a stop codon.
Molecular consequence: nonsense.
Genome position (GRCh38, 1-based): chr5:138,182,723, C>T. VCF-style: chr5-138182723-C-T. GRCh37 (hg19) VCF-style: chr5-137518412-C-T.
Other names: short protein forms R218*.
Identifiers: ClinVar variation 2190173 (VCV002190173.4), dbSNP rs779825089, ClinGen allele CA3426357.
Genomic context (GRCh38, chr5:138,182,723, plus strand): 5'-ACACCTGATCTGAAGCCCTTGCTCTCCAATGAGGTAATCTGGCTAGACAGCAAGCAGATC[C>T]GACAGGAGGAAATGAAGAAGCTGTCCCTGCTAAATGGAGGCCTCCAAGAGGTAAAGCATT-3'

ClinVar aggregate classification (germline): Uncertain significance (1 of 4 stars; one submission).

Allele frequency attached by ClinVar (database versions not stated): TOPMed below 0.00001.

Submission:

Labcorp Genetics (formerly Invitae), Labcorp
Classification: Uncertain significance. Last evaluated: 2025-02-18. Review status: criteria provided, single submitter. Criteria: Invitae Variant Classification Sherloc (09022015). Collection method: clinical testing. Allele origin: germline.
Comment: This sequence change creates a premature translational stop signal (p.Arg218*) in the KIF20A gene. It is expected to result in an absent or disrupted protein product. However, the current clinical and genetic evidence is not sufficient to establish whether loss-of-function variants in KIF20A cause disease. The frequency data for this variant in the population databases is considered unreliable, as metrics indicate poor data quality at this position in the gnomAD database. This variant has not been reported in the literature in individuals affected with KIF20A-related conditions. ClinVar contains an entry for this variant (Variation ID: 2190173). In summary, the available evidence is currently insufficient to determine the role of this variant in disease. Therefore, it has been classified as a Variant of Uncertain Significance.